The following is an entry in ClinVar:

ClinVar aggregate classification (germline): Uncertain significance (1 of 4 stars; one submission).

Allele frequency attached by ClinVar (database versions not stated): gnomAD exomes below 0.00001.
gnomAD v4.1: 4 of 1,612,656 alleles (0.00025%); highest among the groups gnomAD compares: Non-Finnish European, 0.00034%; no homozygotes.

Submission:

Labcorp Genetics (formerly Invitae), Labcorp
Classification: Uncertain significance. Last evaluated: 2024-07-15. Review status: criteria provided, single submitter. Criteria: Invitae Variant Classification Sherloc (09022015). Collection method: clinical testing. Allele origin: germline.
Comment: This sequence change replaces threonine, which is neutral and polar, with alanine, which is neutral and non-polar, at codon 360 of the ASAH1 protein (p.Thr360Ala). This variant is not present in population databases (gnomAD no frequency). This missense change has been observed in individual(s) with spinal muscular atrophy (PMID: 32875576). It has also been observed to segregate with disease in related individuals. This variant is also known as p.T376A. ClinVar contains an entry for this variant (Variation ID: 2098475). Advanced modeling of protein sequence and biophysical properties (such as structural, functional, and spatial information, amino acid conservation, physicochemical variation, residue mobility, and thermodynamic stability) performed at Invitae indicates that this missense variant is not expected to disrupt ASAH1 protein function with a negative predictive value of 80%. This variant disrupts the p.Thr360 amino acid residue in ASAH1. Other variant(s) that disrupt this residue have been observed in individuals with ASAH1-related conditions (PMID: 32627310), which suggests that this may be a clinically significant amino acid residue. In summary, the available evidence is currently insufficient to determine the role of this variant in disease. Therefore, it has been classified as a Variant of Uncertain Significance.

Literature cited by the submitters: PubMed 32875576; PubMed 32627310.

NM_177924.5(ASAH1):c.1078A>G (p.Thr360Ala)

Gene: ASAH1 (N-acylsphingosine amidohydrolase 1; minus strand). Cytogenetic location: 8p22.
Variant type: single nucleotide variant.
Coding change: c.1078A>G on transcript NM_177924.5 (MANE Select); coding-DNA position 1078, A replaced by G.
Protein change: p.Thr360Ala; replaces threonine 360 with alanine.
Molecular consequence: missense variant.
Genome position (GRCh38, 1-based): chr8:18,058,855, T>C on the plus strand (A>G on the coding strand, the complement: ASAH1 is on the minus strand). VCF-style: chr8-18058855-T-C. GRCh37 (hg19) VCF-style: chr8-17916364-T-C.
Other names: c.1060A>G, p.Thr354Ala (NM_001127505.3); c.883A>G, p.Thr295Ala (NM_001363743.2); c.1126A>G, p.Thr376Ala (NM_004315.6); short protein forms T354A, T295A, T360A, T376A.
Identifiers: ClinVar variation 2098475 (VCV002098475.4), dbSNP rs2537913246, ClinGen allele CA370427008.